The following is an entry in ClinVar:

ClinVar aggregate classification (germline): Uncertain significance (1 of 4 stars; one submission).

Conditions:
Inborn genetic diseases. Identifiers: MedGen C0950123, MeSH D030342.

Submission:

Ambry Genetics
Classification: Uncertain significance for Inborn genetic diseases. Last evaluated: 2025-11-26. Review status: criteria provided, single submitter. Criteria: Ambry Variant Classification Scheme 2023. Collection method: clinical testing. Allele origin: germline.
Comment: The p.Q669E variant (also known as c.2005C>G), located in coding exon 14 of the ERCC6L2 gene, results from a C to G substitution at nucleotide position 2005. The glutamine at codon 669 is replaced by glutamic acid, an amino acid with highly similar properties. This amino acid position is conserved. In addition, the in silico prediction for this alteration is inconclusive. Based on the available evidence, the clinical significance of this variant remains unclear.

NM_020207.7(ERCC6L2):c.2005C>G (p.Gln669Glu)

Gene: ERCC6L2 (ERCC excision repair 6 like 2; plus strand). Cytogenetic location: 9q22.32.
Variant type: single nucleotide variant.
Coding change: c.2005C>G on transcript NM_020207.7 (MANE Select); coding-DNA position 2005, C replaced by G.
Protein change: p.Gln669Glu; replaces glutamine 669 with glutamic acid.
Molecular consequence: missense variant. On other transcripts: non-coding transcript variant (1).
Genome position (GRCh38, 1-based): chr9:95,966,619, C>G. VCF-style: chr9-95966619-C-G. GRCh37 (hg19) VCF-style: chr9-98728901-C-G.
Other names: c.2005C>G, p.Gln669Glu (NM_001375294.1, NM_001010895.4, NM_001375291.1 and 2 more transcripts); short protein forms Q669E.
Identifiers: ClinVar variation 4618771 (VCV004618771.1).